The following is an entry in ClinVar:

ClinVar aggregate classification (germline): Uncertain significance (1 of 4 stars; one submission).

Conditions:
Cardiovascular phenotype. Identifiers: MedGen CN230736.

Submission:

Ambry Genetics
Classification: Uncertain significance for Cardiovascular phenotype. Last evaluated: 2020-03-20. Review status: criteria provided, single submitter. Criteria: Ambry Variant Classification Scheme 2023. Collection method: clinical testing. Allele origin: germline.
Comment: The p.Y14247C variant (also known as c.42740A>G), located in coding exon 153 of the TTN gene, results from an A to G substitution at nucleotide position 42740. The tyrosine at codon 14247 is replaced by cysteine, an amino acid with highly dissimilar properties. This amino acid position is highly conserved in available vertebrate species. In addition, this alteration is predicted to be deleterious by in silico analysis. Since supporting evidence is limited at this time, the clinical significance of this alteration remains unclear.

NM_001267550.2(TTN):c.69935A>G (p.Tyr23312Cys)

Genes: TTN (titin; minus strand), TTN-AS1 (TTN antisense RNA 1; plus strand), LOC126806422 (BRD4-independent group 4 enhancer GRCh37_chr2:179440205-179441404; plus strand). Cytogenetic location: 2q31.2.
Variant type: single nucleotide variant.
Coding change: c.69935A>G on transcript NM_001267550.2 (MANE Select); coding-DNA position 69935, A replaced by G.
Protein change: p.Tyr23312Cys; replaces tyrosine 23312 with cysteine.
Molecular consequence: missense variant.
Genome position (GRCh38, 1-based): chr2:178,576,197, T>C on the plus strand (A>G on the coding strand, the complement: TTN is on the minus strand). VCF-style: chr2-178576197-T-C. GRCh37 (hg19) VCF-style: chr2-179440924-T-C.
Other names: c.65012A>G, p.Tyr21671Cys (NM_001256850.1); c.42740A>G, p.Tyr14247Cys (NM_003319.4); c.62231A>G, p.Tyr20744Cys (NM_133378.4); c.43115A>G, p.Tyr14372Cys (NM_133432.3); c.43316A>G, p.Tyr14439Cys (NM_133437.4); short protein forms Y20744C, Y14247C, Y21671C, Y14372C, Y14439C, Y23312C.
Identifiers: ClinVar variation 1739275 (VCV001739275.2), dbSNP rs2468716317, ClinGen allele CA349665753.
Genomic context (GRCh38, chr2:178,576,197, plus strand): 5'-TCTGGAATCACCGCTGGCTCCCCAACACCTGCATCGTTGATGGCACTGATTCTGAAGTTG[T>C]ATTTTTCTTTAGTCTGAAGATCAGGAACAACGAACTGAGTGATTCTGAGGGCGGTTCCTG-3'
Protein context (NP_001254479.2, residues 23302-23322): VVPDLQTKEK[Tyr23312Cys]NFRISAINDA